The following is an entry in ClinVar:

NM_001374504.1(TMPRSS6):c.1672+9T>C

Gene: TMPRSS6 (transmembrane serine protease 6; minus strand). Cytogenetic location: 22q12.3.
Variant type: single nucleotide variant.
Coding change: c.1672+9T>C on transcript NM_001374504.1 (MANE Select); 9 bases into the intron after coding-DNA position 1672, T replaced by C.
Molecular consequence: intron variant.
Genome position (GRCh38, 1-based): chr22:37,070,907, A>G on the plus strand (T>C on the coding strand, the complement: TMPRSS6 is on the minus strand). VCF-style: chr22-37070907-A-G. GRCh37 (hg19) VCF-style: chr22-37466947-A-G.
Other names: p.?; c.1672+9T>C (NM_001289000.2, NM_001289001.2, NM_153609.4).
Identifiers: ClinVar variation 773923 (VCV000773923.15), dbSNP rs200801061, ClinGen allele CA10215513.

ClinVar aggregate classification (germline): Benign/Likely benign. Review status: criteria provided, multiple submitters, no conflicts (2 of 4 stars). 5 submissions from 5 submitters: Benign (1); Likely benign (3). 1 of the submissions does not count toward it. Last evaluated 2025-02-26.

Conditions:
TMPRSS6-related disorder. Also called: TMPRSS6-related condition.
Microcytic anemia. Identifiers: MedGen C5194182, MONDO:0001245, HP:0001935. Disease mechanism: loss of function.

Allele frequency attached by ClinVar (database versions not stated): gnomAD exomes 0.00013 and 0.00063; gnomAD 0.00020 and 0.00034; TOPMed 0.00031; ExAC 0.00056; 1000 Genomes Project 30x 0.00281; 1000 Genomes Project 0.00300.
gnomAD v4.1: 269 of 1,612,192 alleles (0.017%); highest among the groups gnomAD compares: East Asian, 0.42%; 1 homozygote.

Submissions (5):

Mayo Clinic Laboratories, Mayo Clinic
Classification: Likely benign. Last evaluated: 2025-02-26. Review status: criteria provided, single submitter. Criteria: ACMG Guidelines, 2015. Collection method: clinical testing. Allele origin: germline. Observed: 1 variant allele.
Comment: BP4, BP7

Labcorp Genetics (formerly Invitae), Labcorp
Classification: Benign. Last evaluated: 2024-11-19. Review status: criteria provided, single submitter. Criteria: Invitae Variant Classification Sherloc (09022015). Collection method: clinical testing. Allele origin: germline.

Blueprint Genetics
Classification: Likely benign. Last evaluated: 2024-10-23. Review status: criteria provided, single submitter. Criteria: ACMG Guidelines, 2015. Collection method: clinical testing. Allele origin: germline.

Illumina Laboratory Services, Illumina
Classification: Likely benign for Iron-refractory iron deficiency anemia. Last evaluated: 2018-01-13. Review status: criteria provided, single submitter. Criteria: ICSL Variant Classification Criteria 13 December 2019. Collection method: clinical testing. Allele origin: germline.
Comment: This variant was observed in the ICSL laboratory as part of a predisposition screen in an ostensibly healthy population. It had not been previously curated by ICSL or reported in the Human Gene Mutation Database (HGMD: prior to June 1st, 2018), and was therefore a candidate for classification through an automated scoring system. Utilizing variant allele frequency, disease prevalence and penetrance estimates, and inheritance mode, an automated score was calculated to assess if this variant is too frequent to cause the disease. Based on the score and internal cut-off values, a variant classified as likely benign is not then subjected to further curation. The score for this variant resulted in a classification of likely benign for this disease.

PreventionGenetics, part of Exact Sciences
Classification: Likely benign for TMPRSS6-related condition. Last evaluated: 2024-03-23. Review status: no assertion criteria provided. Collection method: clinical testing. Allele origin: germline. Not counted in ClinVar's aggregate classification.
Comment: This variant is classified as likely benign based on ACMG/AMP sequence variant interpretation guidelines (Richards et al. 2015 PMID: 25741868, with internal and published modifications).